The following is an entry in ClinVar:

NM_000548.5(TSC2):c.2098-4G>A

Gene: TSC2 (TSC complex subunit 2; plus strand). Cytogenetic location: 16p13.3.
Variant type: single nucleotide variant.
Coding change: c.2098-4G>A on transcript NM_000548.5 (MANE Select); 4 bases into the intron before coding-DNA position 2098, G replaced by A.
Molecular consequence: intron variant.
Genome position (GRCh38, 1-based): chr16:2,072,237, G>A. VCF-style: chr16-2072237-G-A. GRCh37 (hg19) VCF-style: chr16-2122238-G-A.
Other names: c.2098-4G>A (NM_001114382.3, NM_021055.3, NM_001370405.1 and 3 more transcripts); c.1987-4G>A (NM_001318827.2); c.1498-4G>A (NM_001318831.2); c.1951-4G>A (NM_001318829.2); c.2131-4G>A (NM_001318832.2).
Identifiers: ClinVar variation 701207 (VCV000701207.13), dbSNP rs1306044216, ClinGen allele CA915946255.

ClinVar aggregate classification (germline): Likely benign. Review status: criteria provided, multiple submitters, no conflicts (2 of 4 stars). 3 submissions from 3 submitters: Likely benign (3). Last evaluated 2025-07-07.

Conditions:
Hereditary cancer-predisposing syndrome. Also called: Tumor predisposition; Hereditary neoplastic syndrome; Hereditary Cancer Syndrome; Neoplastic Syndromes, Hereditary. Identifiers: Orphanet 140162, MedGen C0027672, MeSH D009386, MONDO:0015356.
Tuberous sclerosis 2 (TSC2). Identifiers: Orphanet 805, MedGen C1860707, MONDO:0013199, OMIM 613254.

Submissions (3):

Labcorp Genetics (formerly Invitae), Labcorp
Classification: Likely benign for Tuberous sclerosis 2. Last evaluated: 2025-07-07. Review status: criteria provided, single submitter. Criteria: Invitae Variant Classification Sherloc (09022015). Collection method: clinical testing. Allele origin: germline.

Myriad Genetics, Inc.
Classification: Likely benign for Tuberous sclerosis 2. Last evaluated: 2025-05-19. Review status: criteria provided, single submitter. Criteria: Myriad Autosomal Dominant, Autosomal Recessive and X-Linked Classification Criteria (2023). Collection method: clinical testing. Allele origin: unknown.
Comment: This variant is considered likely benign. This variant is intronic and is not expected to impact mRNA splicing.

Ambry Genetics
Classification: Likely benign for Hereditary cancer-predisposing syndrome. Last evaluated: 2024-03-12. Review status: criteria provided, single submitter. Criteria: Ambry Variant Classification Scheme 2023. Collection method: clinical testing. Allele origin: germline.